The following is an entry in ClinVar:

ClinVar aggregate classification (germline): Uncertain significance (1 of 4 stars; one submission).

Conditions:
Charcot-Marie-Tooth disease type 2. Also called: Charcot-Marie-Tooth type 2. Identifiers: Orphanet 64746, MedGen C0270914, MONDO:0018993.

Allele frequency attached by ClinVar (database versions not stated): gnomAD exomes below 0.00001.
gnomAD v4.1: 1 of 1,614,222 alleles (0.000062%); highest among the groups gnomAD compares: Non-Finnish European, 0.000085%; no homozygotes.

Submission:

Labcorp Genetics (formerly Invitae), Labcorp
Classification: Uncertain significance for Charcot-Marie-Tooth disease type 2. Last evaluated: 2019-07-17. Review status: criteria provided, single submitter. Criteria: Invitae Variant Classification Sherloc (09022015). Collection method: clinical testing. Allele origin: germline.
Comment: This sequence change replaces glutamine with arginine at codon 407 of the MFN2 protein (p.Gln407Arg). The glutamine residue is highly conserved and there is a small physicochemical difference between glutamine and arginine. This variant is not present in population databases (ExAC no frequency). This variant has not been reported in the literature in individuals with MFN2-related conditions. Algorithms developed to predict the effect of missense changes on protein structure and function are either unavailable or do not agree on the potential impact of this missense change (SIFT: "Tolerated"; PolyPhen-2: "Possibly Damaging"; Align-GVGD: "Class C0"). In summary, the available evidence is currently insufficient to determine the role of this variant in disease. Therefore, it has been classified as a Variant of Uncertain Significance.

NM_014874.4(MFN2):c.1220A>G (p.Gln407Arg)

Gene: MFN2 (mitofusin 2; plus strand). Cytogenetic location: 1p36.22.
Variant type: single nucleotide variant.
Coding change: c.1220A>G on transcript NM_014874.4 (MANE Select); coding-DNA position 1220, A replaced by G.
Protein change: p.Gln407Arg; replaces glutamine 407 with arginine.
Molecular consequence: missense variant.
Genome position (GRCh38, 1-based): chr1:12,004,051, A>G. VCF-style: chr1-12004051-A-G. GRCh37 (hg19) VCF-style: chr1-12064108-A-G.
Other names: c.1220A>G, p.Gln407Arg (NM_001127660.2); short protein forms Q407R.
Identifiers: ClinVar variation 963467 (VCV000963467.1), dbSNP rs1639295881, ClinGen allele CA338445074.